The following is an entry in ClinVar:

ClinVar aggregate classification (germline): Conflicting classifications of pathogenicity. Review status: criteria provided, conflicting classifications (1 of 4 stars). 11 submissions from 11 submitters: Uncertain significance (1); Benign (3); Likely benign (5). 2 of the submissions do not count toward it. Last evaluated 2026-09-01.

Conditions:
Inborn genetic diseases. Identifiers: MedGen C0950123, MeSH D030342.
Neuropathy, hereditary sensory, type 2C. Also called: Hereditary sensory and autonomic neuropathy type IIC; KIF1A-Related HSAN2 (HSAN2C). Identifiers: Orphanet 970, MedGen C3280168, MONDO:0013634, OMIM 614213.
Intellectual disability, autosomal dominant 9 (NESCAVS). Also called: NESCAV SYNDROME; KIF1A-Related Neurodevelopmental Disorder. Identifiers: Orphanet 662367, MedGen C5393830, MONDO:0013656, OMIM 614255.
Hereditary spastic paraplegia 30. Identifiers: Orphanet 101010, MedGen C5235139, MONDO:0012476.
Hereditary spastic paraplegia. Also called: Familial spastic paraparesis. Identifiers: Orphanet 685, MedGen C0037773, MONDO:0019064. Disease mechanism: loss of function.

Allele frequency attached by ClinVar (database versions not stated): gnomAD 0.00197 and 0.00209; ESP Exome Variant Server 0.00219; TOPMed 0.00248; 1000 Genomes Project 0.00300; 1000 Genomes Project 30x 0.00344; gnomAD exomes 0.00041 and 0.00080; ExAC 0.00092.
gnomAD v4.1: 948 of 1,613,926 alleles (0.059%); highest among the groups gnomAD compares: Middle Eastern, 0.73%; 5 homozygotes.

Submissions (11):

CeGaT Center for Human Genetics Tuebingen
Classification: Likely benign. Last evaluated: 2026-09-01. Review status: criteria provided, single submitter. Criteria: CeGaT Center For Human Genetics Tuebingen Variant Classification Criteria Version 2. Collection method: clinical testing. Allele origin: germline. Affected: yes. Observed: 7 variant alleles.
Comment: KIF1A: BP4, BP7

Labcorp Genetics (formerly Invitae), Labcorp
Classification: Benign for Hereditary spastic paraplegia 30; Neuropathy, hereditary sensory, type 2C; Intellectual disability, autosomal dominant 9. Last evaluated: 2026-01-19. Review status: criteria provided, single submitter. Criteria: Invitae Variant Classification Sherloc (09022015). Collection method: clinical testing. Allele origin: germline.

Blueprint Genetics
Classification: Likely benign. Last evaluated: 2024-10-14. Review status: criteria provided, single submitter. Criteria: ACMG Guidelines, 2015. Collection method: clinical testing. Allele origin: germline.

Mayo Clinic Laboratories, Mayo Clinic
Classification: Benign. Last evaluated: 2024-10-04. Review status: criteria provided, single submitter. Criteria: ACMG Guidelines, 2015. Collection method: clinical testing. Allele origin: germline. Observed: 2 variant alleles.
Comment: BA1, BS2

Genetic Services Laboratory, University of Chicago
Classification: Likely benign. Last evaluated: 2019-11-25. Review status: criteria provided, single submitter. Criteria: ACMG Guidelines, 2015. Collection method: clinical testing. Allele origin: germline. Affected: no.

GeneDx
Classification: Benign. Last evaluated: 2019-04-26. Review status: criteria provided, single submitter. Criteria: GeneDx Variant Classification Process June 2021. Collection method: clinical testing. Allele origin: germline. Affected: yes.

Illumina Laboratory Services, Illumina
Classification: Uncertain significance for Spastic paraplegia 30A, autosomal dominant. Last evaluated: 2018-01-13. Review status: criteria provided, single submitter. Criteria: ICSL Variant Classification Criteria 13 December 2019. Collection method: clinical testing. Allele origin: germline.

Genome Diagnostics Laboratory, The Hospital for Sick Children
Classification: Likely benign for Hereditary spastic paraplegia. Last evaluated: 2017-11-01. Review status: criteria provided, single submitter. Criteria: ACMG Guidelines, 2015. Collection method: clinical testing. Allele origin: germline. Affected: yes.

Ambry Genetics
Classification: Likely benign for Inborn genetic diseases. Last evaluated: 2017-04-17. Review status: criteria provided, single submitter. Criteria: Ambry Variant Classification Scheme 2023. Collection method: clinical testing. Allele origin: germline.

Clinical Genetics DNA and cytogenetics Diagnostics Lab, Erasmus MC, Erasmus Medical Center
Classification: Likely benign. Review status: no assertion criteria provided. Collection method: clinical testing. Allele origin: germline. Affected: yes. Study: VKGL Data-share Consensus. Not counted in ClinVar's aggregate classification.

Clinical Genetics, Academic Medical Center
Classification: Benign. Review status: no assertion criteria provided. Collection method: clinical testing. Allele origin: germline. Affected: yes. Study: VKGL Data-share Consensus. Not counted in ClinVar's aggregate classification.

NM_001244008.2(KIF1A):c.2898C>G (p.Pro966=)

Gene: KIF1A (kinesin family member 1A; minus strand). Cytogenetic location: 2q37.3.
Variant type: single nucleotide variant.
Coding change: c.2898C>G on transcript NM_001244008.2 (MANE Select); coding-DNA position 2898, C replaced by G.
Protein change: p.Pro966=; no amino-acid change (proline 966 retained).
Molecular consequence: synonymous variant.
Genome position (GRCh38, 1-based): chr2:240,750,508, G>C on the plus strand (C>G on the coding strand, the complement: KIF1A is on the minus strand). VCF-style: chr2-240750508-G-C. GRCh37 (hg19) VCF-style: chr2-241689925-G-C.
Other names: p.Pro865=; c.2622C>G, p.Pro874= (NM_001320705.2, NM_001330289.2, NM_001379638.1); c.2697C>G, p.Pro899= (NM_001330290.2, NM_001379634.1, NM_001379635.1 and 1 more transcripts); c.2973C>G, p.Pro991= (NM_001379631.1); c.2847C>G, p.Pro949= (NM_001379632.1); c.2871C>G, p.Pro957= (NM_001379633.1, NM_001379642.1, NM_001379645.1); c.2595C>G, p.Pro865= (NM_001379636.1, NM_001379639.1, NM_001379640.1 and 6 more transcripts); c.2670C>G, p.Pro890= (NM_001379637.1, NM_001379648.1); and 1 more.
Identifiers: ClinVar variation 211280 (VCV000211280.98), dbSNP rs140783695, ClinGen allele CA206457.